The following is an entry in ClinVar:

NM_001353812.2(ATP11C):c.677A>G (p.Asn226Ser)

Gene: ATP11C (ATPase phospholipid transporting 11C (ATP11C blood group); minus strand). Cytogenetic location: Xq27.1.
Variant type: single nucleotide variant.
Coding change: c.677A>G on transcript NM_001353812.2 (MANE Select); coding-DNA position 677, A replaced by G.
Protein change: p.Asn226Ser; replaces asparagine 226 with serine.
Molecular consequence: missense variant.
Genome position (GRCh38, 1-based): chrX:139,800,093, T>C on the plus strand (A>G on the coding strand, the complement: ATP11C is on the minus strand). VCF-style: chrX-139800093-T-C. GRCh37 (hg19) VCF-style: chrX-138882252-T-C.
Other names: c.686A>G, p.Asn229Ser (NM_001010986.3, NM_173694.5); c.677A>G, p.Asn226Ser (NM_001353810.2, NM_001353811.2); short protein forms N229S, N226S.
Identifiers: ClinVar variation 3454909 (VCV003454909.11).

ClinVar aggregate classification (germline): Conflicting classifications of pathogenicity. Review status: criteria provided, conflicting classifications (1 of 4 stars). 2 submissions from 2 submitters: Uncertain significance (1); Likely benign (1). Last evaluated 2025-05-01.

gnomAD v4.1: 45 of 1,170,880 alleles (0.0038%); highest among the groups gnomAD compares: African/African-American, 0.033%; 1 homozygote.

Submissions (2):

CeGaT Center for Human Genetics Tuebingen
Classification: Likely benign. Last evaluated: 2025-05-01. Review status: criteria provided, single submitter. Criteria: CeGaT Center For Human Genetics Tuebingen Variant Classification Criteria Version 2. Collection method: clinical testing. Allele origin: germline. Affected: yes. Observed: 1 variant allele.
Comment: ATP11C: BP4, BS2

Ambry Genetics
Classification: Uncertain significance. Last evaluated: 2024-10-04. Review status: criteria provided, single submitter. Criteria: Ambry Variant Classification Scheme 2023. Collection method: clinical testing. Allele origin: germline.